The following is an entry in ClinVar:

NM_000059.4(BRCA2):c.6330dup (p.Lys2111Ter)

Gene: BRCA2 (BRCA2 DNA repair associated; plus strand). Cytogenetic location: 13q13.1.
Variant type: Duplication.
Coding change: c.6330dup on transcript NM_000059.4 (MANE Select); coding-DNA position 6330, one base duplicated (T; older notation c.6330dupT).
Protein change: p.Lys2111Ter; replaces lysine 2111 with a stop codon.
Molecular consequence: nonsense.
Genome position (GRCh38, 1-based): chr13:32,340,685, T duplicated. VCF-style (leftmost placement, unchanged base first): chr13-32340684-A-AT. GRCh37 (hg19) VCF-style: chr13-32914821-A-AT.
Other names: short protein forms K2111*.
Identifiers: ClinVar variation 1453946 (VCV001453946.6), dbSNP rs2137526474, ClinGen allele CA2573149190.

ClinVar aggregate classification (germline): Pathogenic (1 of 4 stars; one submission).

Conditions:
Hereditary breast ovarian cancer syndrome. Also called: Hereditary breast and ovarian cancer; Hereditary breast and ovarian cancer syndrome (HBOC); Breast and ovarian cancer; Hereditary breast and ovarian cancer syndrome; Hereditary breast and/or ovarian cancer syndrome; BRCA1- and BRCA2-Associated Hereditary Breast and Ovarian Cancer. Identifiers: Orphanet 145, MedGen C0677776, MeSH D061325, MONDO:0003582. Disease mechanism: loss of function.

Submission:

Labcorp Genetics (formerly Invitae), Labcorp
Classification: Pathogenic for Hereditary breast ovarian cancer syndrome. Last evaluated: 2020-11-27. Review status: criteria provided, single submitter. Criteria: Invitae Variant Classification Sherloc (09022015). Collection method: clinical testing. Allele origin: germline.
Comment: For these reasons, this variant has been classified as Pathogenic. This variant has not been reported in the literature in individuals with BRCA2-related conditions. This variant is not present in population databases (ExAC no frequency). This sequence change creates a premature translational stop signal (p.Lys2111*) in the BRCA2 gene. It is expected to result in an absent or disrupted protein product. Loss-of-function variants in BRCA2 are known to be pathogenic (PMID: 20104584).

Literature cited by the submitters: PubMed 20104584.